The following is an entry in ClinVar:

ClinVar aggregate classification (germline): Benign (1 of 4 stars; one submission).

Conditions:
Erythrocytosis, familial, 3 (ECYT3). Identifiers: Orphanet 247511, MedGen C1853286, MONDO:0012353, OMIM 609820.

Allele frequency attached by ClinVar (database versions not stated): 1000 Genomes Project 30x 0.00203; 1000 Genomes Project 0.00180; TOPMed 0.00313.

Submission:

Illumina Laboratory Services, Illumina
Classification: Benign for Erythrocytosis, familial, 3. Last evaluated: 2018-01-12. Review status: criteria provided, single submitter. Criteria: ICSL Variant Classification Criteria 13 December 2019. Collection method: clinical testing. Allele origin: germline.
Comment: This variant was observed in the ICSL laboratory as part of a predisposition screen in an ostensibly healthy population. It had not been previously curated by ICSL or reported in the Human Gene Mutation Database (HGMD: prior to June 1st, 2018), and was therefore a candidate for classification through an automated scoring system. Utilizing variant allele frequency, disease prevalence and penetrance estimates, and inheritance mode, an automated score was calculated to assess if this variant is too frequent to cause the disease. Based on the score and internal cut-off values, a variant classified as benign is not then subjected to further curation. The score for this variant resulted in a classification of benign for this disease.

NM_022051.2(EGLN1):c.-2450T>G

Gene: EGLN1 (egl-9 family hypoxia inducible factor 1; minus strand). Cytogenetic location: 1q42.2.
Variant type: single nucleotide variant.
Coding change: c.-2450T>G on transcript NM_022051.2; 2450 bases upstream of the start codon, T replaced by G.
Genome position (GRCh38, 1-based): chr1:231,424,338, A>C on the plus strand (T>G on the coding strand, the complement: EGLN1 is on the minus strand). VCF-style: chr1-231424338-A-C. GRCh37 (hg19) VCF-style: chr1-231560084-A-C.
Identifiers: ClinVar variation 875309 (VCV000875309.6), dbSNP rs143021749, ClinGen allele CA38951531.